The following is an entry in ClinVar:

ClinVar aggregate classification (germline): Benign/Likely benign. Review status: criteria provided, multiple submitters, no conflicts (2 of 4 stars). 7 submissions from 7 submitters: Benign (5); Likely benign (2). Last evaluated 2026-01-13.

Conditions:
Loeys-Dietz syndrome 2 (LDS2). Also called: TGFBR2-Related Loeys-Dietz Syndrome; AORTIC ANEURYSM, FAMILIAL THORACIC 3; MARFAN SYNDROME, TYPE II; Marfan syndrome, type 2 (formerly); Marfan Syndrome type 2; Marfan like connective tissue disorder. Identifiers: Orphanet 284973, Orphanet 558, MedGen C2674574, MONDO:0012427, OMIM 610168.

Allele frequency attached by ClinVar (database versions not stated): gnomAD exomes 0.00031 and 0.00066; ExAC 0.00062; gnomAD 0.00144 and 0.00153; TOPMed 0.00177; ESP Exome Variant Server 0.00185; 1000 Genomes Project 0.00200; 1000 Genomes Project 30x 0.00250.
gnomAD v4.1: 705 of 1,613,268 alleles (0.044%); highest among the groups gnomAD compares: African/African-American, 0.45%; 3 homozygotes.

Submissions (8):

Labcorp Genetics (formerly Invitae), Labcorp
Classification: Benign for Loeys-Dietz syndrome 2. Last evaluated: 2026-01-13. Review status: criteria provided, single submitter. Criteria: Invitae Variant Classification Sherloc (09022015). Collection method: clinical testing. Allele origin: germline.

Blueprint Genetics
Classification: Likely benign. Last evaluated: 2024-07-02. Review status: criteria provided, single submitter. Criteria: ACMG Guidelines, 2015. Collection method: clinical testing. Allele origin: germline.

Ambry Genetics
Classification: Likely benign. Last evaluated: 2022-05-24. Review status: criteria provided, single submitter. Criteria: Ambry Variant Classification Scheme 2023. Collection method: clinical testing. Allele origin: germline.

Women's Health and Genetics/Laboratory Corporation of America, LabCorp
Classification: Benign. Last evaluated: 2019-01-28. Review status: criteria provided, single submitter. Criteria: LabCorp Variant Classification Summary - May 2015. Collection method: clinical testing. Allele origin: germline.
Comment: Variant summary: The variant, TMPO c.87C>T alters a non-conserved nucleotide resulting in a synonymous change. 5/5 computational tools predict no significant impact on normal splicing. However, these predictions have yet to be confirmed by functional studies. The variant allele was found at a frequency of 0.00071 in 274432 control chromosomes, predominantly at a frequency of 0.0068 within the Ashkenazi Jewish subpopulation in the gnomAD database. The observed variant frequency within Ashkenazi Jewish control individuals in the gnomAD database is approximately 272 fold of the estimated maximal expected allele frequency for a pathogenic variant in TMPO causing Cardiomyopathy phenotype (2.5e-05), strongly suggesting that the variant is a benign polymorphism found primarily in populations of Ashkenazi Jewish origin. To our knowledge, no occurrence of c.87C>T in individuals affected with Cardiomyopathy and no experimental evidence demonstrating its impact on protein function have been reported. One clinical diagnostic laboratory has submitted clinical-significance assessments for this variant to ClinVar after 2014 without evidence for independent evaluation and classified the variant as benign. Based on the evidence outlined above, the variant was classified as benign.

Laboratory for Molecular Medicine, Mass General Brigham Personalized Medicine
Classification: Benign. Last evaluated: 2014-08-12. Review status: criteria provided, single submitter. Criteria: LMM Criteria. Collection method: clinical testing. Allele origin: germline. Observed: 1 variant allele.
Comment: Ala29Ala in exon 1 of TMPO: This variant is not expected to have clinical signif icance because it does not alter an amino acid residue and is not located within the splice consensus sequence. It has been identified in 0.5% (22/4406) of Afri can American chromosomes from a broad population by the NHLBI Exome Sequencing P roject (dbSNP rs114074541).

GeneDx
Classification: Benign. Last evaluated: 2014-03-18. Review status: criteria provided, single submitter. Criteria: GeneDx Variant Classification (06012015). Collection method: clinical testing. Allele origin: germline. Affected: yes.
Comment: This variant is considered likely benign or benign based on one or more of the following criteria: it is a conservative change, it occurs at a poorly conserved position in the protein, it is predicted to be benign by multiple in silico algorithms, and/or has population frequency not consistent with disease.

Breakthrough Genomics
Classification: Benign. Review status: criteria provided, single submitter. Criteria: ACMG Guidelines, 2015. Collection method: not provided. Allele origin: germline. Inheritance: Unknown mechanism. Affected: yes.

Dr. Peter K. Rogan Lab, Western University
No classification provided (evidence only). Condition: Malignant tumor of esophagus. Review status: no classification provided. Collection method: in vitro. Allele origin: not applicable. Functional consequence: retained intron. Not counted in ClinVar's aggregate classification.

NM_001032283.3(TMPO):c.87C>T (p.Ala29=)

Genes: TMPO (thymopoietin; plus strand), TMPO-AS1 (TMPO antisense RNA 1; minus strand). Cytogenetic location: 12q23.1.
Variant type: single nucleotide variant.
Coding change: c.87C>T on transcript NM_001032283.3 (MANE Select); coding-DNA position 87, C replaced by T.
Protein change: p.Ala29=; no amino-acid change (alanine 29 retained).
Molecular consequence: synonymous variant.
Genome position (GRCh38, 1-based): chr12:98,515,954, C>T. VCF-style: chr12-98515954-C-T. GRCh37 (hg19) VCF-style: chr12-98909732-C-T.
Other names: p.A29A:GCC>GCT; c.87C>T, p.Ala29= (NM_001032284.3, NM_001307975.2, NM_003276.2).
Identifiers: ClinVar variation 44674 (VCV000044674.22), dbSNP rs114074541, ClinGen allele CA134835.
Genomic context (GRCh38, chr12:98,515,954, plus strand): 5'-GGTCCTGACAAAAGACAAGTTGAAGAGTGAGTTGGTCGCCAACAATGTGACGCTGCCGGC[C>T]GGGGAGCAGCGCAAAGACGTGTACGTCCAGCTCTACCTGCAGCACCTCACGGCTCGCAAC-3'
Protein context (NP_001027454.1, residues 19-39): ELVANNVTLP[Ala29=]GEQRKDVYVQ